The following is an entry in ClinVar:

NM_000540.3(RYR1):c.4317T>C (p.Phe1439=)

Gene: RYR1 (ryanodine receptor 1; plus strand). Cytogenetic location: 19q13.2.
Variant type: single nucleotide variant.
Coding change: c.4317T>C on transcript NM_000540.3 (MANE Select); coding-DNA position 4317, T replaced by C.
Protein change: p.Phe1439=; no amino-acid change (phenylalanine 1439 retained).
Molecular consequence: synonymous variant.
Genome position (GRCh38, 1-based): chr19:38,477,733, T>C. VCF-style: chr19-38477733-T-C. GRCh37 (hg19) VCF-style: chr19-38968373-T-C.
Other names: c.4317T>C, p.Phe1439= (NM_001042723.2).
Identifiers: ClinVar variation 3073486 (VCV003073486.1), dbSNP rs2514176959, ClinGen allele CA507236308.

ClinVar aggregate classification (germline): Likely benign (1 of 4 stars; one submission).

Conditions:
Malignant hyperthermia, susceptibility to, 1 (MHS1). Also called: Anesthesia related hyperthermia; Malignant hyperpyrexia; Fulminating hyperpyrexia; Pharmacogenic myopathy; RYR1-Related Malignant Hyperthermia Susceptibility; Malignant hyperthermia suceptibility 1. Identifiers: Orphanet 423, MedGen C2930980, MONDO:0007783, OMIM 145600.

Submission:

All of Us Research Program, National Institutes of Health
Classification: Likely benign for Malignant hyperthermia, susceptibility to, 1. Last evaluated: 2023-09-17. Review status: criteria provided, single submitter. Criteria: ACMG Guidelines, 2015. Collection method: clinical testing. Allele origin: germline. Inheritance: Autosomal dominant inheritance. Observed: 1 variant allele, 1 heterozygote.
Comment: This study involves interpretation of variants in research participants for the purpose of population health screening. Participant phenotype was not available at the time of variant classification. Additional details can be found in publication PMID: 35346344, PMCID: PMC8962531